The following is an entry in ClinVar:

NM_000057.4(BLM):c.2556-2A>C

Gene: BLM (BLM RecQ like helicase; plus strand). Cytogenetic location: 15q26.1.
Variant type: single nucleotide variant.
Coding change: c.2556-2A>C on transcript NM_000057.4 (MANE Select); the canonical splice acceptor site of the intron before coding-DNA position 2556, A replaced by C.
Molecular consequence: splice acceptor variant.
Genome position (GRCh38, 1-based): chr15:90,782,820, A>C. VCF-style: chr15-90782820-A-C. GRCh37 (hg19) VCF-style: chr15-91326050-A-C.
Other names: c.2556-2A>C (NM_001287246.2, NM_001287247.2); c.1431-2A>C (NM_001287248.2).
Identifiers: ClinVar variation 4815784 (VCV004815784.1).

ClinVar aggregate classification (germline): Likely pathogenic (1 of 4 stars; one submission).

Conditions:
Bloom syndrome (BLM). Also called: Bloom-Torre-Machacek syndrome. Identifiers: Orphanet 125, MedGen C0005859, MONDO:0008876, OMIM 210900.

gnomAD v4.1: 1 of 1,602,012 alleles (0.000062%); highest among the groups gnomAD compares: Non-Finnish European, 0.000086%; no homozygotes.

Submission:

Natera, Inc.
Classification: Likely pathogenic for Bloom syndrome. Last evaluated: 2025-12-18. Review status: criteria provided, single submitter. Criteria: Natera Variant Classification Schema (03/2026). Collection method: clinical testing. Allele origin: germline.
Comment: The c.2556-2A>C variant in BLM is a canonical splice acceptor site variant predicted to affect pre-mRNA splicing, which may result in an abnormal transcript and altered protein product. This variant is expected to result in nonsense mediated decay, truncation, or a dysfunctional protein product. This variant is rare in the general population with a frequency below the threshold expected for the associated phenotype(s). Given the available evidence, this variant is classified as Likely Pathogenic.